The following is an entry in ClinVar:

ClinVar aggregate classification (germline): Pathogenic (1 of 4 stars; one submission).

Conditions:
Phenylketonuria (PKU). Also called: FOLLING DISEASE; OLIGOPHRENIA PHENYLPYRUVICA; Phenylketonurias; Phenylketonuria (PKU). Identifiers: Orphanet 716, MedGen C0031485, MONDO:0009861, OMIM 261600. Disease mechanism: loss of function.

Submission:

Myriad Genetics, Inc.
Classification: Pathogenic for Phenylketonuria. Last evaluated: 2023-11-14. Review status: criteria provided, single submitter. Criteria: Myriad Autosomal Dominant, Autosomal Recessive and X-Linked Classification Criteria (2023). Collection method: clinical testing. Allele origin: unknown.
Comment: NM_000277.1(PAH):c.566_567delCA(T189Sfs*10) is expected to be pathogenic in the context of phenylalanine hydroxylase deficiency. This variant is predicted to lead to an abnormal or absent protein product due to the creation of a premature termination codon in PAH, a gene where loss-of-function variants are known to be pathogenic. Please note: this variant was assessed in the context of healthy population screening.

NM_000277.3(PAH):c.566_567del (p.Thr189fs)

Gene: PAH (phenylalanine hydroxylase; minus strand). Cytogenetic location: 12q23.2.
Variant type: Microsatellite.
Coding change: c.566_567del on transcript NM_000277.3 (MANE Select); coding-DNA positions 566 to 567, 2 bases deleted (CA; older notation c.566_567delCA).
Protein change: p.Thr189fs; shifts the reading frame from threonine 189.
Molecular consequence: frameshift variant.
Genome position (GRCh38, 1-based): chr12:102,855,275-102,855,276, TG deleted on the plus strand (CA on the coding strand, the reverse complement: PAH is on the minus strand); deleting any 2 consecutive bases within chr12:102,855,275-102,855,278 gives the same sequence; the c. name uses the placement nearest the transcript's 3' end. VCF-style (leftmost placement, unchanged base first): chr12-102855274-CTG-C. GRCh37 (hg19) VCF-style: chr12-103249052-CTG-C.
Other names: c.566_567del, p.Thr189fs (NM_001354304.2); short protein forms T189fs.
Identifiers: ClinVar variation 5012482 (VCV005012482.1).